The following is an entry in ClinVar:

ClinVar aggregate classification (germline): Likely pathogenic. Review status: criteria provided, single submitter (1 of 4 stars). 4 submissions from 3 submitters: Likely pathogenic (1). 3 of the submissions do not count toward it. Last evaluated 2025-09-03.

Conditions:
Choroideremia. Also called: Chorioretinal scalloped atrophy. Identifiers: Orphanet 180, MedGen C0008525, MONDO:0010557, OMIM 303100, HP:0001139.
Abnormality of the eye. Identifiers: MedGen C4316870, HP:0000478.
Retinal dystrophy. Also called: Inherited retinal dystrophy. Identifiers: Orphanet 71862, MedGen C0854723, MeSH D058499, MONDO:0019118, HP:0000556.

Submissions (4):

Women's Health and Genetics/Laboratory Corporation of America, LabCorp
Classification: Likely pathogenic for Choroideremia. Last evaluated: 2025-09-03. Review status: criteria provided, single submitter. Criteria: LabCorp Variant Classification Summary - May 2015. Collection method: clinical testing. Allele origin: germline.
Comment: Variant summary: CHM c.315-1536A>G is located at a position not widely known to affect splicing. Several computational tools predict a significant impact on normal splicing: Two predict the variant creates a 5' donor site. One predict the variant strengthens a cryptic 5' donor site. Four predict the variant creates a 3' acceptor site. At least one publication reports experimental evidence that this variant affects mRNA splicing (Carss_2017). The variant was absent in 109859 control chromosomes. c.315-1536A>G has been observed in individuals affected with Choroideremia (Carss_2017, Gocuk_2024). These data indicate that the variant is likely to be associated with disease. The following publications have been ascertained in the context of this evaluation (PMID: 28041643, 39122355, 39284686, 38219857, 34758253, 32581362). ClinVar contains an entry for this variant (Variation ID: 438064). Based on the evidence outlined above, the variant was classified as likely pathogenic.

NIHR Bioresource Rare Diseases, University of Cambridge
Classification: Likely pathogenic for Retinal dystrophy. Last evaluated: 2015-01-01. Review status: no assertion criteria provided. Collection method: research. Allele origin: unknown. Affected: yes. Observed: 1 variant allele. Not counted in ClinVar's aggregate classification.

NIHR Bioresource Rare Diseases, University of Cambridge
Classification: Likely pathogenic for Disorder of eye. Last evaluated: 2015-01-01. Review status: no assertion criteria provided. Collection method: research. Allele origin: unknown. Affected: yes. Observed: 1 variant allele. Not counted in ClinVar's aggregate classification.
Comment: Undetermined rare ocular disorder with frequency of less than eight patients

Genomics England Pilot Project, Genomics England
Classification: Likely pathogenic for Choroideremia. Review status: no assertion criteria provided. Criteria: ACGS Guidelines, 2016. Collection method: clinical testing. Allele origin: germline. Affected: yes. Not counted in ClinVar's aggregate classification.

Literature cited by the submitters: PubMed 28041643 (cited by Women's Health and Genetics/Laboratory Corporation of America, LabCorp and NIHR Bioresource Rare Diseases, University of Cambridge); PubMed 32581362 (cited by Women's Health and Genetics/Laboratory Corporation of America, LabCorp); PubMed 34758253 (cited by Women's Health and Genetics/Laboratory Corporation of America, LabCorp); PubMed 38219857 (cited by Women's Health and Genetics/Laboratory Corporation of America, LabCorp); PubMed 39122355 (cited by Women's Health and Genetics/Laboratory Corporation of America, LabCorp); PubMed 39284686 (cited by Women's Health and Genetics/Laboratory Corporation of America, LabCorp).

NM_000390.4(CHM):c.315-1536A>G

Gene: CHM (CHM Rab escort protein; minus strand). Cytogenetic location: Xq21.2.
Variant type: single nucleotide variant.
Coding change: c.315-1536A>G on transcript NM_000390.4 (MANE Select); 1536 bases into the intron before coding-DNA position 315, A replaced by G.
Molecular consequence: intron variant.
Genome position (GRCh38, 1-based): chrX:85,965,588, T>C on the plus strand (A>G on the coding strand, the complement: CHM is on the minus strand). VCF-style: chrX-85965588-T-C. GRCh37 (hg19) VCF-style: chrX-85220593-T-C.
Other names: c.315-1536A>G (LRG_699t1); c.-126-1540A>G (NM_001362519.1, NM_001362518.2); c.-130-1536A>G (NM_001362517.1, NM_001320959.1).
Identifiers: ClinVar variation 438064 (VCV000438064.5), dbSNP rs1555955061, ClinGen allele CA645509232.
Genomic context (GRCh38, chrX:85,965,588, plus strand): 5'-ATGCTTAATTAATAATGGTTTATACGTGCAGACTATTTTTGTTTCAAATGCGAAACAAAC[T>C]TGTTGCAAAAAACACAAAAAATAAGGCCAAGAAAAAAACACGGTATTGTAAATTAGAAAG-3'